The following is an entry in ClinVar:

ClinVar aggregate classification (germline): Uncertain significance (1 of 4 stars; one submission).

Allele frequency attached by ClinVar (database versions not stated): gnomAD exomes below 0.00001.
gnomAD v4.1: 5 of 1,609,590 alleles (0.00031%); highest among the groups gnomAD compares: Non-Finnish European, 0.00043%; no homozygotes.

Submission:

Ambry Genetics
Classification: Uncertain significance. Last evaluated: 2022-10-09. Review status: criteria provided, single submitter. Criteria: Ambry Variant Classification Scheme 2023. Collection method: clinical testing. Allele origin: germline.
Comment: The p.V302I variant (also known as c.904G>A), located in coding exon 7 of the PDLIM3 gene, results from a G to A substitution at nucleotide position 904. The valine at codon 302 is replaced by isoleucine, an amino acid with highly similar properties. This amino acid position is conserved. In addition, this alteration is predicted to be tolerated by in silico analysis. Since supporting evidence is limited at this time, the clinical significance of this alteration remains unclear.

NM_014476.6(PDLIM3):c.904G>A (p.Val302Ile)

Gene: PDLIM3 (PDZ and LIM domain 3; minus strand). Cytogenetic location: 4q35.1.
Variant type: single nucleotide variant.
Coding change: c.904G>A on transcript NM_014476.6 (MANE Select); coding-DNA position 904, G replaced by A.
Protein change: p.Val302Ile; replaces valine 302 with isoleucine.
Molecular consequence: missense variant. On other transcripts: non-coding transcript variant (1).
Genome position (GRCh38, 1-based): chr4:185,504,476, C>T on the plus strand (G>A on the coding strand, the complement: PDLIM3 is on the minus strand). VCF-style: chr4-185504476-C-T. GRCh37 (hg19) VCF-style: chr4-186425630-C-T.
Other names: c.760G>A, p.Val254Ile (NM_001114107.5); c.640G>A, p.Val214Ile (NM_001257962.2); c.403G>A, p.Val135Ile (NM_001257963.2); short protein forms V302I, V214I, V135I, V254I.
Identifiers: ClinVar variation 1765600 (VCV001765600.2), dbSNP rs2095693154, ClinGen allele CA358920931.